The following is an entry in ClinVar:

ClinVar aggregate classification (germline): Pathogenic/Likely pathogenic. Review status: criteria provided, multiple submitters, no conflicts (2 of 4 stars). 2 submissions from 2 submitters: Pathogenic (1); Likely pathogenic (1). Last evaluated 2025-07-15.

Conditions:
Macrocephaly, acquired, with impaired intellectual development. Also called: MACROCEPHALY, ACQUIRED, WITH MENTAL RETARDATION. Identifiers: MedGen C4748993, MONDO:0032658, OMIM 618286.

Submissions (2):

Labcorp Genetics (formerly Invitae), Labcorp
Classification: Pathogenic. Last evaluated: 2025-07-15. Review status: criteria provided, single submitter. Criteria: Invitae Variant Classification Sherloc (09022015). Collection method: clinical testing. Allele origin: germline.
Comment: This sequence change creates a premature translational stop signal (p.Arg301*) in the NFIB gene. It is expected to result in an absent or disrupted protein product. Loss-of-function variants in NFIB are known to be pathogenic (PMID: 30388402). This variant is not present in population databases (gnomAD no frequency). This variant has not been reported in the literature in individuals affected with NFIB-related conditions. ClinVar contains an entry for this variant (Variation ID: 989245). For these reasons, this variant has been classified as Pathogenic.

Illumina Laboratory Services, Illumina
Classification: Likely pathogenic for Macrocephaly, acquired, with impaired intellectual development. Last evaluated: 2019-02-20. Review status: criteria provided, single submitter. Criteria: ICSLVariantClassificationCriteria RUGD 01 April 2020. Collection method: clinical testing. Allele origin: unknown.
Comment: The NFIB c.901C>T (p.Arg301Ter) variant is a stop-gained variant that is predicted to result in premature termination of the protein. A literature search was performed for the gene, cDNA change, and amino acid change. No publications were found based on this search. The variant is not found in the Genome Aggregation Database in region of good sequencing coverage, so the variant is presumed to be rare. Based on the predicted truncating nature of the variant and its rarity, the p.Arg301Ter variant is classified as likely pathogenic for acquired macrocephaly with impaired intellectual development.

Literature cited by the submitters: PubMed 30388402 (cited by Labcorp Genetics (formerly Invitae), Labcorp).

NM_001190737.2(NFIB):c.901C>T (p.Arg301Ter)

Gene: NFIB (nuclear factor I B; minus strand). Cytogenetic location: 9p23.
Variant type: single nucleotide variant.
Coding change: c.901C>T on transcript NM_001190737.2 (MANE Select); coding-DNA position 901, C replaced by T.
Protein change: p.Arg301Ter; replaces arginine 301 with a stop codon.
Molecular consequence: nonsense. On other transcripts: non-coding transcript variant (4).
Genome position (GRCh38, 1-based): chr9:14,146,713, G>A on the plus strand (C>T on the coding strand, the complement: NFIB is on the minus strand). VCF-style: chr9-14146713-G-A. GRCh37 (hg19) VCF-style: chr9-14146712-G-A.
Other names: c.979C>T, p.Arg327Ter (NM_001190738.2); c.145C>T, p.Arg49Ter (NM_001282787.2); c.967C>T, p.Arg323Ter (NM_001369458.1, NM_001369459.1, NM_001369462.1 and 1 more transcripts); c.889C>T, p.Arg297Ter (NM_001369460.1, NM_001369463.1, NM_001369466.1 and 2 more transcripts); c.901C>T, p.Arg301Ter (NM_001369461.1, NM_001369464.1, NM_001369471.1 and 1 more transcripts); c.874C>T, p.Arg292Ter (NM_001369465.1, NM_001369467.1, NM_001369476.1); c.757C>T, p.Arg253Ter (NM_001369469.1); c.664C>T, p.Arg222Ter (NM_001369470.1, NM_001369478.1); and 4 more; short protein forms R122*, R222*, R226*, R253*, R283*, R292*, R296*, R297*.
Identifiers: ClinVar variation 989245 (VCV000989245.5), dbSNP rs1364033144, ClinGen allele CA373092792.